The following is an entry in ClinVar:

ClinVar aggregate classification (germline): Uncertain significance (1 of 4 stars; one submission).

Allele frequency attached by ClinVar (database versions not stated): gnomAD 0.00001; ExAC 0.00002.
gnomAD v4.1: 5 of 1,613,986 alleles (0.00031%); highest among the groups gnomAD compares: African/African-American, 0.0027%; no homozygotes.

Submission:

GeneDx
Classification: Uncertain significance. Last evaluated: 2022-04-25. Review status: criteria provided, single submitter. Criteria: GeneDx Variant Classification Process June 2021. Collection method: clinical testing. Allele origin: germline. Affected: yes.
Comment: Nonsense variant predicted to result in protein truncation or nonsense mediated decay in a gene or region of a gene for which loss of function is not a well-established mechanism of disease; Has not been previously published as pathogenic or benign to our knowledge

NM_000185.4(SERPIND1):c.1168C>T (p.Arg390Ter)

Genes: SERPIND1 (serpin family D member 1; plus strand), PI4KA (phosphatidylinositol 4-kinase alpha; minus strand). Cytogenetic location: 22q11.21.
Variant type: single nucleotide variant.
Coding change: c.1168C>T on transcript NM_000185.4 (MANE Select); coding-DNA position 1168, C replaced by T.
Protein change: p.Arg390Ter; replaces arginine 390 with a stop codon.
Molecular consequence: nonsense. On other transcripts: intron variant (3).
Genome position (GRCh38, 1-based): chr22:20,786,008, C>T. VCF-style: chr22-20786008-C-T. GRCh37 (hg19) VCF-style: chr22-21140296-C-T.
Other names: c.2262+7185G>A (NM_001362863.2); c.2328+7185G>A (NM_001362862.2, NM_058004.4); short protein forms R390*.
Identifiers: ClinVar variation 1804598 (VCV001804598.1), dbSNP rs776318030, ClinGen allele CA10116062.
Genomic context (GRCh38, chr22:20,786,008, plus strand): 5'-TTCTTTTGTAACTTGTGGTTCAATAAAACTGGGCCCCCCTTTCCTTTTCTGTCTAGAACT[C>T]GAGAAGTGCTTCTGCCGAAATTCAAGCTGGAGAAGAACTACAATCTAGTGGAGTCCCTGA-3'